The following is an entry in ClinVar:

ClinVar aggregate classification (germline): Uncertain significance (1 of 4 stars; one submission).

Conditions:
Cardiovascular phenotype. Identifiers: MedGen CN230736.

gnomAD v4.1: 2 of 1,613,788 alleles (0.00012%); no homozygotes.

Submission:

Ambry Genetics
Classification: Uncertain significance for Cardiovascular phenotype. Last evaluated: 2026-05-28. Review status: criteria provided, single submitter. Criteria: Ambry Variant Classification Scheme 2023. Collection method: clinical testing. Allele origin: germline.
Comment: The p.D2022A variant (also known as c.6065A>C), located in coding exon 40 of the RYR2 gene, results from an A to C substitution at nucleotide position 6065. The aspartic acid at codon 2022 is replaced by alanine, an amino acid with dissimilar properties. This amino acid position is conserved. In addition, the in silico prediction for this alteration is inconclusive. Based on the available evidence, the clinical significance of this variant remains unclear.

NM_001035.3(RYR2):c.6065A>C (p.Asp2022Ala)

Gene: RYR2 (ryanodine receptor 2; plus strand). Cytogenetic location: 1q43.
Variant type: single nucleotide variant.
Coding change: c.6065A>C on transcript NM_001035.3 (MANE Select); coding-DNA position 6065, A replaced by C.
Protein change: p.Asp2022Ala; replaces aspartic acid 2022 with alanine.
Molecular consequence: missense variant.
Genome position (GRCh38, 1-based): chr1:237,625,703, A>C. VCF-style: chr1-237625703-A-C. GRCh37 (hg19) VCF-style: chr1-237789003-A-C.
Other names: short protein forms D2022A.
Identifiers: ClinVar variation 4863726 (VCV004863726.1).
Genomic context (GRCh38, chr1:237,625,703, plus strand): 5'-TCTGTTTTTTTATACTAGGAATTGAGCTGGATGAAGATGGGTCTCTGGATGGAAACAGTG[A>C]TTTAACAATTAGAGGGCGTCTGCTATCCCTGGTAGAAAAGGTGACATATCTGAAGAAGAA-3'
Protein context (NP_001026.2, residues 2012-2032): DEDGSLDGNS[Asp2022Ala]LTIRGRLLSL